The following is an entry in ClinVar:

ClinVar aggregate classification (germline): Conflicting classifications of pathogenicity. Review status: criteria provided, conflicting classifications (1 of 4 stars). 2 submissions from 2 submitters: Uncertain significance (1); Likely benign (1). Last evaluated 2026-02-11.

Conditions:
Wiedemann-Steiner syndrome (WDSTS). Also called: Growth deficiency and mental retardation with facial dysmorphism. Identifiers: Orphanet 319182, MedGen C1854630, MONDO:0011518, OMIM 605130.

Submissions (2):

Centre for Medical Genetics,  Mumbai
Classification: Likely benign for Wiedemann-Steiner syndrome. Last evaluated: 2026-02-11. Review status: criteria provided, single submitter. Criteria: ACMG Guidelines, 2015. Collection method: provider interpretation. Allele origin: germline. Inheritance: Autosomal dominant inheritance. Affected: no. Observed: 1 variant allele, 1 heterozygote.
Comment: The variant satisfies PM2 criteria - extremely low frequency in gnomAD population databases. The variant satisfies PP2 criteria - missense variant in a gene with low rate of benign missense mutations and for which missense mutation is a common mechanism of a disease. However, the variant satisfies BS2 criteria - present in heterozygous state in an individual that clinically does not have Wiedemann-Steiner syndrome.

Dasa
Classification: Uncertain significance. Last evaluated: 2024-10-11. Review status: criteria provided, single submitter. Criteria: DASA Assertion Criteria. Collection method: clinical testing. Allele origin: germline.
Comment: NM_001197104.2(KMT2A):c.6463C>T (p.Pro2155Ser) is a missense variant that results in the substitution of proline with serine. This variant is absent from population databases. Computational prediction algorithms are consistent with a benign effect. The currently available literature and clinical evidence are not sufficient to establish a definitive association between this variant and the reported condition. Therefore, this variant is classified as a variant of uncertain significance.

Literature cited by the submitters: PubMed 22795537 (cited by Centre for Medical Genetics,  Mumbai).

NM_001197104.2(KMT2A):c.6463C>T (p.Pro2155Ser)

Gene: KMT2A (lysine methyltransferase 2A; plus strand). Cytogenetic location: 11q23.3.
Variant type: single nucleotide variant.
Coding change: c.6463C>T on transcript NM_001197104.2 (MANE Select); coding-DNA position 6463, C replaced by T.
Protein change: p.Pro2155Ser; replaces proline 2155 with serine.
Molecular consequence: missense variant.
Genome position (GRCh38, 1-based): chr11:118,501,815, C>T. VCF-style: chr11-118501815-C-T. GRCh37 (hg19) VCF-style: chr11-118372530-C-T.
Other names: c.6553C>T, p.Pro2185Ser (NM_001412597.1); c.6454C>T, p.Pro2152Ser (NM_005933.4); short protein forms P2152S, P2155S, P2185S.
Identifiers: ClinVar variation 4851350 (VCV004851350.3).
Genomic context (GRCh38, chr11:118,501,815, plus strand): 5'-GGCTCCTGTTATTATCATGTCATCTCAAAGGTCCCCAGGATTCGAACACCCAGTTATTCT[C>T]CAACACAGAGATCCCCTGGCTGTCGACCGTTGCCTTCTGCAGGTAAAAGACTTTATTGAC-3'
Protein context (NP_001184033.1, residues 2145-2165): VPRIRTPSYS[Pro2155Ser]TQRSPGCRPL